The following is an entry in ClinVar:

NM_004839.4(HOMER2):c.1025A>G (p.Asp342Gly)

Gene: HOMER2 (homer scaffold protein 2; minus strand). Cytogenetic location: 15q25.2.
Variant type: single nucleotide variant.
Coding change: c.1025A>G on transcript NM_004839.4 (MANE Select); coding-DNA position 1025, A replaced by G.
Protein change: p.Asp342Gly; replaces aspartic acid 342 with glycine.
Molecular consequence: missense variant.
Genome position (GRCh38, 1-based): chr15:82,849,722, T>C on the plus strand (A>G on the coding strand, the complement: HOMER2 is on the minus strand). VCF-style: chr15-82849722-T-C. GRCh37 (hg19) VCF-style: chr15-83518474-T-C.
Other names: c.1025A>G (NM_004839.3); c.1058A>G (NM_199330.2); c.1058A>G, p.Asp353Gly (NM_199330.3); short protein forms D342G, D353G.
Identifiers: ClinVar variation 2728238 (VCV002728238.7), dbSNP rs199617276, ClinGen allele CA7701936.

ClinVar aggregate classification (germline): Conflicting classifications of pathogenicity. Review status: criteria provided, conflicting classifications (1 of 4 stars). 3 submissions from 3 submitters: Uncertain significance (1); Benign (1). 1 of the submissions does not count toward it. Last evaluated 2026-09-24.

Conditions:
HOMER2-related disorder. Also called: HOMER2-related condition.

Allele frequency attached by ClinVar (database versions not stated): gnomAD exomes 0.00008; TOPMed 0.00011; ESP Exome Variant Server 0.00008; ExAC 0.00014; gnomAD 0.00015.
gnomAD v4.1: 145 of 1,612,926 alleles (0.009%); highest among the groups gnomAD compares: East Asian, 0.0022%; no homozygotes.

Submissions (3):

GeneDx
Classification: Uncertain significance. Last evaluated: 2026-09-24. Review status: criteria provided, single submitter. Criteria: GeneDx Variant Classification Process June 2021. Collection method: clinical testing. Allele origin: germline.
Comment: In silico analysis suggests that this missense variant does not alter protein structure/function; Has not been previously published as pathogenic or benign to our knowledge

Labcorp Genetics (formerly Invitae), Labcorp
Classification: Benign. Last evaluated: 2025-05-27. Review status: criteria provided, single submitter. Criteria: Invitae Variant Classification Sherloc (09022015). Collection method: clinical testing. Allele origin: germline.

PreventionGenetics, part of Exact Sciences
Classification: Likely benign for HOMER2-related condition. Last evaluated: 2023-11-30. Review status: no assertion criteria provided. Collection method: clinical testing. Allele origin: germline. Not counted in ClinVar's aggregate classification.
Comment: This variant is classified as likely benign based on ACMG/AMP sequence variant interpretation guidelines (Richards et al. 2015 PMID: 25741868, with internal and published modifications).